The following is an entry in ClinVar:

NM_017617.5(NOTCH1):c.3954T>A (p.Asn1318Lys)

Gene: NOTCH1 (notch receptor 1; minus strand). Cytogenetic location: 9q34.3.
Variant type: single nucleotide variant.
Coding change: c.3954T>A on transcript NM_017617.5 (MANE Select); coding-DNA position 3954, T replaced by A.
Protein change: p.Asn1318Lys; replaces asparagine 1318 with lysine.
Molecular consequence: missense variant.
Genome position (GRCh38, 1-based): chr9:136,506,587, A>T on the plus strand (T>A on the coding strand, the complement: NOTCH1 is on the minus strand). VCF-style: chr9-136506587-A-T. GRCh37 (hg19) VCF-style: chr9-139401039-A-T.
Other names: c.3954T>A, p.Asn1318Lys (LRG_1122t1); short protein forms N1318K.
Identifiers: ClinVar variation 544183 (VCV000544183.14), dbSNP rs754634957, ClinGen allele CA5340748.

ClinVar aggregate classification (germline): Conflicting classifications of pathogenicity. Review status: criteria provided, conflicting classifications (1 of 4 stars). 5 submissions from 4 submitters: Uncertain significance (4); Benign (1). Last evaluated 2025-12-30.

Conditions:
Adams-Oliver syndrome 5 (AOS5). Identifiers: Orphanet 974, MedGen C4014970, MONDO:0014459, OMIM 616028.
Familial thoracic aortic aneurysm and aortic dissection (TAAD). Also called: Thoracic aortic aneurysms and dissections. Identifiers: Orphanet 91387, MedGen C4707243, MONDO:0019625.
Aortic valve disease 1 (AOVD1). Identifiers: MedGen C3887892, MONDO:0024523, OMIM 109730.

Allele frequency attached by ClinVar (database versions not stated): ExAC 0.00001; gnomAD 0.00001; gnomAD exomes 0.00002 and 0.00003; TOPMed 0.00006.
gnomAD v4.1: 42 of 1,610,844 alleles (0.0026%); highest among the groups gnomAD compares: Admixed American, 0.005%; no homozygotes.

Submissions (5):

Labcorp Genetics (formerly Invitae), Labcorp
Classification: Benign for Adams-Oliver syndrome 5. Last evaluated: 2025-12-30. Review status: criteria provided, single submitter. Criteria: Invitae Variant Classification Sherloc (09022015). Collection method: clinical testing. Allele origin: germline.

GeneDx
Classification: Uncertain significance. Last evaluated: 2025-09-22. Review status: criteria provided, single submitter. Criteria: GeneDx Variant Classification Process June 2021. Collection method: clinical testing. Allele origin: germline. Affected: yes.
Comment: Not observed at significant frequency in large population cohorts (gnomAD); In silico analysis supports that this missense variant has a deleterious effect on protein structure/function; This variant is associated with the following publications: (PMID: 33247628)

Genome-Nilou Lab
Classification: Uncertain significance for Adams-Oliver syndrome 5. Last evaluated: 2022-03-15. Review status: criteria provided, single submitter. Criteria: ACMG Guidelines, 2015. Collection method: clinical testing. Allele origin: germline. Affected: no.

Genome-Nilou Lab
Classification: Uncertain significance for Aortic valve disease 1. Last evaluated: 2022-03-15. Review status: criteria provided, single submitter. Criteria: ACMG Guidelines, 2015. Collection method: clinical testing. Allele origin: germline. Affected: no.

Ambry Genetics
Classification: Uncertain significance for Familial thoracic aortic aneurysm and aortic dissection. Last evaluated: 2019-03-28. Review status: criteria provided, single submitter. Criteria: Ambry Variant Classification Scheme 2023. Collection method: clinical testing. Allele origin: germline.
Comment: The p.N1318K variant (also known as c.3954T>A), located in coding exon 24 of the NOTCH1 gene, results from a T to A substitution at nucleotide position 3954. The asparagine at codon 1318 is replaced by lysine, an amino acid with similar properties. This amino acid position is highly conserved in available vertebrate species. In addition, the in silico prediction for this alteration is inconclusive. Since supporting evidence is limited at this time, the clinical significance of this alteration remains unclear.